The following is an entry in ClinVar:

ClinVar aggregate classification (germline): Uncertain significance. Review status: criteria provided, multiple submitters, no conflicts (2 of 4 stars). 3 submissions from 3 submitters: Uncertain significance (3). Last evaluated 2026-07-29.

Conditions:
TTN-related disorder. Also called: TTN-related condition; TTN-related disease; TTN-related disorders.

Allele frequency attached by ClinVar (database versions not stated): ExAC 0.00004; TOPMed 0.00005; gnomAD 0.00006; ESP Exome Variant Server 0.00008.
gnomAD v4.1: 73 of 1,613,858 alleles (0.0045%); highest among the groups gnomAD compares: African/African-American, 0.011%; no homozygotes.

Submissions (3):

PreventionGenetics, part of Exact Sciences
Classification: Uncertain significance for TTN-related condition. Last evaluated: 2026-07-29. Review status: criteria provided, single submitter. Criteria: ACMG Guidelines, 2015. Collection method: clinical testing. Allele origin: germline.
Comment: The TTN c.105418G>A variant is predicted to result in the amino acid substitution p.Val35140Ile. To our knowledge, this variant has not been reported in the literature. This variant is reported in 0.0062% of alleles in individuals of European (Non-Finnish) descent in gnomAD. At this time, the clinical significance of this variant is uncertain due to the absence of conclusive functional and genetic evidence.

Women's Health and Genetics/Laboratory Corporation of America, LabCorp
Classification: Uncertain significance. Last evaluated: 2023-05-22. Review status: criteria provided, single submitter. Criteria: LabCorp Variant Classification Summary - May 2015. Collection method: clinical testing. Allele origin: germline.
Comment: Variant summary: TTN c.97714G>A (p.Val32572Ile) results in a conservative amino acid change located in the M-band of the encoded protein sequence. Three of four in-silico tools predict a benign effect of the variant on protein function. The variant allele was found at a frequency of 2.4e-05 in 249076 control chromosomes (gnomAD). The available data on variant occurrences in the general population are insufficient to allow any conclusion about variant significance. To our knowledge, no occurrence of c.97714G>A in individuals affected with Dilated Cardiomyopathy and no experimental evidence demonstrating its impact on protein function have been reported. One ClinVar submitter (evaluation after 2014) cites this variant as uncertain significance. Based on the evidence outlined above, the variant was classified as uncertain significance.

Revvity Omics, Revvity
Classification: Uncertain significance. Last evaluated: 2019-07-13. Review status: criteria provided, single submitter. Criteria: ACMG Guidelines, 2015. Collection method: clinical testing. Allele origin: germline.

NM_001267550.2(TTN):c.105418G>A (p.Val35140Ile)

Genes: TTN (titin; minus strand), TTN-AS1 (TTN antisense RNA 1; plus strand). Cytogenetic location: 2q31.2.
Variant type: single nucleotide variant.
Coding change: c.105418G>A on transcript NM_001267550.2 (MANE Select); coding-DNA position 105418, G replaced by A.
Protein change: p.Val35140Ile; replaces valine 35140 with isoleucine.
Molecular consequence: missense variant.
Genome position (GRCh38, 1-based): chr2:178,531,197, C>T on the plus strand (G>A on the coding strand, the complement: TTN is on the minus strand). VCF-style: chr2-178531197-C-T. GRCh37 (hg19) VCF-style: chr2-179395924-C-T.
Other names: c.100495G>A, p.Val33499Ile (NM_001256850.1); c.78223G>A, p.Val26075Ile (NM_003319.4); c.97714G>A, p.Val32572Ile (NM_133378.4); c.78598G>A, p.Val26200Ile (NM_133432.3); c.78799G>A, p.Val26267Ile (NM_133437.4); short protein forms V26075I, V26200I, V26267I, V32572I, V33499I, V35140I.
Identifiers: ClinVar variation 2437786 (VCV002437786.5), dbSNP rs371893623, ClinGen allele CA1985264.